The following is an entry in ClinVar:

ClinVar aggregate classification (germline): Uncertain significance (1 of 4 stars; one submission).

Conditions:
Inborn genetic diseases. Identifiers: MedGen C0950123, MeSH D030342.

Submission:

Ambry Genetics
Classification: Uncertain significance for Inborn genetic diseases. Last evaluated: 2026-03-16. Review status: criteria provided, single submitter. Criteria: Ambry Variant Classification Scheme 2023. Collection method: clinical testing. Allele origin: germline.
Comment: The p.Q1168R variant (also known as c.3503A>G), located in coding exon 24 of the ANKRD26 gene, results from an A to G substitution at nucleotide position 3503. The glutamine at codon 1168 is replaced by arginine, an amino acid with highly similar properties. This amino acid position is conserved. In addition, this alteration is predicted to be tolerated by in silico analysis. Based on the available evidence, the clinical significance of this variant remains unclear.

NM_014915.3(ANKRD26):c.3503A>G (p.Gln1168Arg)

Gene: ANKRD26 (ankyrin repeat domain 26; minus strand). Cytogenetic location: 10p12.1.
Variant type: single nucleotide variant.
Coding change: c.3503A>G on transcript NM_014915.3 (MANE Select); coding-DNA position 3503, A replaced by G.
Protein change: p.Gln1168Arg; replaces glutamine 1168 with arginine.
Molecular consequence: missense variant.
Genome position (GRCh38, 1-based): chr10:27,034,947, T>C on the plus strand (A>G on the coding strand, the complement: ANKRD26 is on the minus strand). VCF-style: chr10-27034947-T-C. GRCh37 (hg19) VCF-style: chr10-27323876-T-C.
Other names: c.3500A>G, p.Gln1167Arg (NM_001256053.2); short protein forms Q1167R, Q1168R.
Identifiers: ClinVar variation 4859035 (VCV004859035.1).